The following is an entry in ClinVar:

NM_004423.4(DVL3):c.1679A>G (p.Tyr560Cys)

Gene: DVL3 (dishevelled segment polarity protein 3; plus strand). Cytogenetic location: 3q27.1.
Variant type: single nucleotide variant.
Coding change: c.1679A>G on transcript NM_004423.4 (MANE Select); coding-DNA position 1679, A replaced by G.
Protein change: p.Tyr560Cys; replaces tyrosine 560 with cysteine.
Molecular consequence: missense variant.
Genome position (GRCh38, 1-based): chr3:184,170,186, A>G. VCF-style: chr3-184170186-A-G. GRCh37 (hg19) VCF-style: chr3-183887974-A-G.
Other names: short protein forms Y560C.
Identifiers: ClinVar variation 4851814 (VCV004851814.1).
Genomic context (GRCh38, chr3:184,170,186, plus strand): 5'-ACCCGCCACCCCCGCACCCATACAACCCGCACCCGGGCTTCCCGGAGCTGGGCTACAGCT[A>G]CGGCGGGGGCAGCGCCAGCAGTCAGCACAGCGAAGGTAAGGTAGAGGGGCCGTGGAGGAA-3'
Protein context (NP_004414.3, residues 550-570): HPGFPELGYS[Tyr560Cys]GGGSASSQHS

ClinVar aggregate classification (germline): Uncertain significance (1 of 4 stars; one submission).

Submission:

Dasa
Classification: Uncertain significance. Last evaluated: 2024-06-26. Review status: criteria provided, single submitter. Criteria: DASA Assertion Criteria. Collection method: clinical testing. Allele origin: germline.
Comment: NM_004423.4(DVL3):c.1679A>G (p.Tyr560Cys) is a missense variant that results in the substitution of tyrosine with cysteine. Multiple computational predictions support a deleterious effect on the gene or gene product. Based on the available data, this variant is classified as variant of uncertain significance.